The following is an entry in ClinVar:

NM_000081.4(LYST):c.3775G>A (p.Glu1259Lys)

Gene: LYST (lysosomal trafficking regulator; minus strand). Cytogenetic location: 1q42.3.
Variant type: single nucleotide variant.
Coding change: c.3775G>A on transcript NM_000081.4 (MANE Select); coding-DNA position 3775, G replaced by A.
Protein change: p.Glu1259Lys; replaces glutamic acid 1259 with lysine.
Molecular consequence: missense variant.
Genome position (GRCh38, 1-based): chr1:235,801,035, C>T on the plus strand (G>A on the coding strand, the complement: LYST is on the minus strand). VCF-style: chr1-235801035-C-T. GRCh37 (hg19) VCF-style: chr1-235964335-C-T.
Other names: c.3775G>A, p.Glu1259Lys (NM_001301365.1); short protein forms E1259K.
Identifiers: ClinVar variation 579602 (VCV000579602.6), dbSNP rs779037673, ClinGen allele CA1466987.

ClinVar aggregate classification (germline): Uncertain significance (1 of 4 stars; one submission).

Conditions:
Chédiak-Higashi syndrome (CHS). Also called: Chediak-Higashi Syndrome. Identifiers: Orphanet 167, MedGen C0007965, MONDO:0008963, OMIM 214500.

Allele frequency attached by ClinVar (database versions not stated): TOPMed below 0.00001; gnomAD exomes 0.00001; ExAC 0.00002.
gnomAD v4.1: 12 of 1,613,660 alleles (0.00074%); highest among the groups gnomAD compares: African/African-American, 0.0013%; no homozygotes.

Submission:

Labcorp Genetics (formerly Invitae), Labcorp
Classification: Uncertain significance for Chédiak-Higashi syndrome. Last evaluated: 2025-11-21. Review status: criteria provided, single submitter. Criteria: Invitae Variant Classification Sherloc (09022015). Collection method: clinical testing. Allele origin: germline.
Comment: This sequence change replaces glutamic acid, which is acidic and polar, with lysine, which is basic and polar, at codon 1259 of the LYST protein (p.Glu1259Lys). This variant is present in population databases (rs779037673, gnomAD 0.007%). This variant has not been reported in the literature in individuals affected with LYST-related conditions. ClinVar contains an entry for this variant (Variation ID: 579602). Invitae Evidence Modeling of protein sequence and biophysical properties (such as structural, functional, and spatial information, amino acid conservation, physicochemical variation, residue mobility, and thermodynamic stability) indicates that this missense variant is not expected to disrupt LYST protein function with a negative predictive value of 80%. In summary, the available evidence is currently insufficient to determine the role of this variant in disease. Therefore, it has been classified as a Variant of Uncertain Significance.